The following is an entry in ClinVar:

NM_001040108.2(MLH3):c.2636G>C (p.Arg879Thr)

Gene: MLH3 (mutL homolog 3; minus strand). Cytogenetic location: 14q24.3.
Variant type: single nucleotide variant.
Coding change: c.2636G>C on transcript NM_001040108.2 (MANE Select); coding-DNA position 2636, G replaced by C.
Protein change: p.Arg879Thr; replaces arginine 879 with threonine.
Molecular consequence: missense variant.
Genome position (GRCh38, 1-based): chr14:75,047,020, C>G on the plus strand (G>C on the coding strand, the complement: MLH3 is on the minus strand). VCF-style: chr14-75047020-C-G. GRCh37 (hg19) VCF-style: chr14-75513723-C-G.
Other names: c.2636G>C, p.Arg879Thr (NM_014381.3); short protein forms R879T.
Identifiers: ClinVar variation 2048848 (VCV002048848.4), dbSNP rs2503265167, ClinGen allele CA390439322.

ClinVar aggregate classification (germline): Uncertain significance (1 of 4 stars; one submission).

Conditions:
Colorectal cancer, hereditary nonpolyposis, type 7. Identifiers: Orphanet 144, MedGen C1858380, MONDO:0013725, OMIM 614385.

gnomAD v4.1: 1 of 1,614,164 alleles (0.000062%); highest among the groups gnomAD compares: Non-Finnish European, 0.000085%; no homozygotes.

Submission:

Labcorp Genetics (formerly Invitae), Labcorp
Classification: Uncertain significance for Colorectal cancer, hereditary nonpolyposis, type 7. Last evaluated: 2024-04-29. Review status: criteria provided, single submitter. Criteria: Invitae Variant Classification Sherloc (09022015). Collection method: clinical testing. Allele origin: germline.
Comment: This sequence change replaces arginine, which is basic and polar, with threonine, which is neutral and polar, at codon 879 of the MLH3 protein (p.Arg879Thr). This variant is not present in population databases (gnomAD no frequency). This variant has not been reported in the literature in individuals affected with MLH3-related conditions. ClinVar contains an entry for this variant (Variation ID: 2048848). An algorithm developed to predict the effect of missense changes on protein structure and function (PolyPhen-2) suggests that this variant is likely to be disruptive. In summary, the available evidence is currently insufficient to determine the role of this variant in disease. Therefore, it has been classified as a Variant of Uncertain Significance.